The following is an entry in ClinVar:

NM_001615.4(ACTG2):c.632G>T (p.Arg211Leu)

Gene: ACTG2 (actin gamma 2, smooth muscle; plus strand). Cytogenetic location: 2p13.1.
Variant type: single nucleotide variant.
Coding change: c.632G>T on transcript NM_001615.4 (MANE Select); coding-DNA position 632, G replaced by T.
Protein change: p.Arg211Leu; replaces arginine 211 with leucine.
Molecular consequence: missense variant.
Genome position (GRCh38, 1-based): chr2:73,914,698, G>T. VCF-style: chr2-73914698-G-T. GRCh37 (hg19) VCF-style: chr2-74141825-G-T.
Other names: c.503G>T, p.Arg168Leu (NM_001199893.2); short protein forms R168L, R211L.
Identifiers: ClinVar variation 1804921 (VCV001804921.1), dbSNP rs1553396458, ClinGen allele CA347304137.

ClinVar aggregate classification (germline): Pathogenic (1 of 4 stars; one submission).

Conditions:
Visceral myopathy 1 (VSCM1). Also called: Visceral myopathy; ACTG2 Visceral Myopathy; Infantile visceral myopathy. Identifiers: Orphanet 2604, MedGen C5542197, MONDO:0020754, OMIM 155310.

Submission:

Victorian Clinical Genetics Services, Murdoch Childrens Research Institute
Classification: Pathogenic for Visceral myopathy 1. Last evaluated: 2022-06-24. Review status: criteria provided, single submitter. Criteria: ACMG Guidelines, 2015. Collection method: clinical testing. Allele origin: germline. Inheritance: Autosomal dominant inheritance. Affected: yes.
Comment: Based on the classification scheme VCGS_Germline_v1.3.4, this variant is classified as Pathogenic. Following criteria are met: 0104 - Dominant negative has been suggested as a mechanism of disease in this gene and is associated with visceral myopathy (MIM#155310), a phenotype which encompasses megacystic microcolon intestinal hypoperistalsis syndrome (MMIHS) and chronic intestinal pseudoobstruction (CIPO) (PMID: 26072522, 26647307, 32814715). (I) 0107 - This gene is associated with autosomal dominant disease. (I) 0115 - Variants in this gene are known to have variable expressivity. Intra-familial clinical variability has been reported (OMIM, PMID: 26072522). (I) 0200 - Variant is predicted to result in a missense amino acid change from arginine to leucine. (I) 0251 - This variant is heterozygous. (I) 0301 - Variant is absent from gnomAD (both v2 and v3). (SP) 0501 - Missense variant consistently predicted to be damaging by multiple in silico tools and highly conserved with a major amino acid change. (SP) 0603 - Missense variant in a region that is highly intolerant to missense variation (high constraint region in DECIPHER). (SP) 0704 - Another missense variant comparable to the one identified in this case has limited previous evidence for pathogenicity. The p.Arg211Gln variant has been reported in three individuals with inherited megacystic microcolon intestinal hypoperistalsis syndrome (MMIHS) or chronic intestinal pseudoobstruction (CIPO) (ClinVar; PMIDs: 29387497, 31769566). (SP) 0807 - This variant has no previous evidence of pathogenicity. (I) 0905 - No published segregation evidence has been identified for this variant. (I) 1007 - No published functional evidence has been identified for this variant. (I) 1102 - Strong phenotype match for this individual. (I) Legend: (SP) - Supporting pathogenic, (I) - Information, (SB) - Supporting benign

Literature cited by the submitters: PubMed 26072522; PubMed 26647307; PubMed 29387497; PubMed 31769566; PubMed 32814715.